The following is an entry in ClinVar:

NM_003383.5(VLDLR):c.611C>T (p.Ser204Phe)

Gene: VLDLR (very low density lipoprotein receptor; plus strand). Cytogenetic location: 9p24.2.
Variant type: single nucleotide variant.
Coding change: c.611C>T on transcript NM_003383.5 (MANE Select); coding-DNA position 611, C replaced by T.
Protein change: p.Ser204Phe; replaces serine 204 with phenylalanine.
Molecular consequence: missense variant.
Genome position (GRCh38, 1-based): chr9:2,643,322, C>T. VCF-style: chr9-2643322-C-T. GRCh37 (hg19) VCF-style: chr9-2643322-C-T.
Other names: c.611C>T, p.Ser204Phe (NM_001018056.3); c.488C>T, p.Ser163Phe (NM_001322225.2, NM_001322226.2); short protein forms S163F, S204F.
Identifiers: ClinVar variation 1307622 (VCV001307622.2), dbSNP rs2130791427, ClinGen allele CA372791058.

ClinVar aggregate classification (germline): Uncertain significance (1 of 4 stars; one submission).

gnomAD v4.1: 3 of 1,614,136 alleles (0.00019%); highest among the groups gnomAD compares: Non-Finnish European, 0.00017%; no homozygotes.

Submission:

GeneDx
Classification: Uncertain significance. Last evaluated: 2019-08-13. Review status: criteria provided, single submitter. Criteria: GeneDx Variant Classification Process June 2021. Collection method: clinical testing. Allele origin: germline. Affected: yes.
Comment: Not observed in large population cohorts (Lek et al., 2016); In silico analysis, which includes protein predictors and evolutionary conservation, supports a deleterious effect; Has not been previously published as pathogenic or benign to our knowledge